The following is an entry in ClinVar:

ClinVar aggregate classification (germline): Pathogenic (1 of 4 stars; one submission).

Conditions:
Alport syndrome. Also called: Hemorrhagic familial nephritis; Hemorrhagic hereditary nephritis; Congenital hereditary hematuria. Identifiers: Orphanet 63, MedGen C1567741, MONDO:0018965.

Submission:

Myriad Genetics, Inc.
Classification: Pathogenic for Alport syndrome. Last evaluated: 2026-03-05. Review status: criteria provided, single submitter. Criteria: Myriad Autosomal Dominant, Autosomal Recessive and X-Linked Classification Criteria (2023). Collection method: clinical testing. Allele origin: unknown.
Comment: NM_000092.4(COL4A4):c.1999delT(S667Lfs*4) is expected to be pathogenic in the context of Alport syndrome, COL4A4-related. This variant is predicted to lead to an abnormal or absent protein product due to the creation of a premature termination codon in COL4A4, a gene where loss-of-function variants are known to be pathogenic. Please note: this variant was assessed in the context of healthy population screening.

NM_000092.5(COL4A4):c.1999del (p.Ser667fs)

Gene: COL4A4 (collagen type IV alpha 4 chain; minus strand). Cytogenetic location: 2q36.3.
Variant type: Deletion.
Coding change: c.1999del on transcript NM_000092.5 (MANE Select); coding-DNA position 1999, one base deleted (T; older notation c.1999delT).
Protein change: p.Ser667fs; shifts the reading frame from serine 667.
Molecular consequence: frameshift variant.
Genome position (GRCh38, 1-based): chr2:227,062,587, A deleted on the plus strand (T on the coding strand, the reverse complement: COL4A4 is on the minus strand); the first of 3 consecutive A bases (chr2:227,062,587-227,062,589); deleting any one gives the same sequence. VCF-style (leftmost placement, unchanged base first): chr2-227062586-GA-G. GRCh37 (hg19) VCF-style: chr2-227927302-GA-G.
Other names: short protein forms S667fs.
Identifiers: ClinVar variation 5015643 (VCV005015643.1).